The following is an entry in ClinVar:

NM_001003787.4(STRADA):c.1273G>C (p.Glu425Gln)

Gene: STRADA (STE20 related adaptor alpha; minus strand). Cytogenetic location: 17q23.3.
Variant type: single nucleotide variant.
Coding change: c.1273G>C on transcript NM_001003787.4 (MANE Select); coding-DNA position 1273, G replaced by C.
Protein change: p.Glu425Gln; replaces glutamic acid 425 with glutamine.
Molecular consequence: missense variant. On other transcripts: 3 prime UTR variant (7), non-coding transcript variant (1).
Genome position (GRCh38, 1-based): chr17:63,703,622, C>G on the plus strand (G>C on the coding strand, the complement: STRADA is on the minus strand). VCF-style: chr17-63703622-C-G. GRCh37 (hg19) VCF-style: chr17-61780982-C-G.
Other names: c.1162G>C, p.Glu388Gln (NM_001003786.3); c.1099G>C, p.Glu367Gln (NM_001003788.3); c.*150G>C (NM_001165969.2, NM_001165970.2, NM_001363788.1 and 2 more transcripts); c.1249G>C, p.Glu417Gln (NM_001363786.1); c.1186G>C, p.Glu396Gln (NM_001363787.1); c.*62G>C (NM_001363790.1); c.*661G>C (NM_153335.6); short protein forms E367Q, E425Q, E388Q, E396Q, E417Q.
Identifiers: ClinVar variation 956258 (VCV000956258.7), dbSNP rs748003173, ClinGen allele CA8703054.

ClinVar aggregate classification (germline): Uncertain significance (1 of 4 stars; one submission).

Conditions:
Polyhydramnios, megalencephaly, and symptomatic epilepsy (PMSE). Also called: PMSE SYNDROME. Identifiers: Orphanet 500533, MedGen C1970203, MONDO:0012611, OMIM 611087.

Allele frequency attached by ClinVar (database versions not stated): gnomAD exomes below 0.00001 and 0.00001; ExAC 0.00002.
gnomAD v4.1: 5 of 1,614,140 alleles (0.00031%); highest among the groups gnomAD compares: Non-Finnish European, 0.00042%; no homozygotes.

Submission:

Labcorp Genetics (formerly Invitae), Labcorp
Classification: Uncertain significance for Polyhydramnios, megalencephaly, and symptomatic epilepsy. Last evaluated: 2021-08-24. Review status: criteria provided, single submitter. Criteria: Invitae Variant Classification Sherloc (09022015). Collection method: clinical testing. Allele origin: germline.
Comment: This sequence change replaces glutamic acid with glutamine at codon 425 of the STRADA protein (p.Glu425Gln). The glutamic acid residue is moderately conserved and there is a small physicochemical difference between glutamic acid and glutamine. This variant is present in population databases (rs748003173, ExAC 0.003%). This variant has not been reported in the literature in individuals affected with STRADA-related conditions. Algorithms developed to predict the effect of missense changes on protein structure and function are either unavailable or do not agree on the potential impact of this missense change (SIFT: "Tolerated"; PolyPhen-2: "Possibly Damaging"; Align-GVGD: "Class C0"). In summary, the available evidence is currently insufficient to determine the role of this variant in disease. Therefore, it has been classified as a Variant of Uncertain Significance.